The following is an entry in ClinVar:

NM_025099.6(CTC1):c.444C>A (p.Asp148Glu)

Gene: CTC1 (CST telomere replication complex component 1; minus strand). Cytogenetic location: 17p13.1.
Variant type: single nucleotide variant.
Coding change: c.444C>A on transcript NM_025099.6 (MANE Select); coding-DNA position 444, C replaced by A.
Protein change: p.Asp148Glu; replaces aspartic acid 148 with glutamic acid.
Molecular consequence: missense variant. On other transcripts: non-coding transcript variant (1).
Genome position (GRCh38, 1-based): chr17:8,238,234, G>T on the plus strand (C>A on the coding strand, the complement: CTC1 is on the minus strand). VCF-style: chr17-8238234-G-T. GRCh37 (hg19) VCF-style: chr17-8141552-G-T.
Other names: short protein forms D148E.
Identifiers: ClinVar variation 326086 (VCV000326086.16), dbSNP rs542910040, ClinGen allele CA8372625.

ClinVar aggregate classification (germline): Uncertain significance. Review status: criteria provided, multiple submitters, no conflicts (2 of 4 stars). 4 submissions from 4 submitters: Uncertain significance (4). Last evaluated 2025-04-28.

Conditions:
Inborn genetic diseases. Identifiers: MedGen C0950123, MeSH D030342.
Cerebroretinal microangiopathy with calcifications and cysts 1 (CRMCC1). Identifiers: Orphanet 313838, MedGen C4552029, MONDO:0024564, OMIM 612199.
Dyskeratosis congenita. Identifiers: Orphanet 1775, MedGen C0265965, MONDO:0015780.

Allele frequency attached by ClinVar (database versions not stated): gnomAD exomes below 0.00001 and 0.00001; TOPMed below 0.00001; gnomAD 0.00001 and 0.00002; ExAC 0.00002; 1000 Genomes Project 30x 0.00016; 1000 Genomes Project 0.00020.
gnomAD v4.1: 9 of 1,604,536 alleles (0.00056%); highest among the groups gnomAD compares: East Asian, 0.02%; no homozygotes.

Submissions (4):

Labcorp Genetics (formerly Invitae), Labcorp
Classification: Uncertain significance for Dyskeratosis congenita. Last evaluated: 2025-04-28. Review status: criteria provided, single submitter. Criteria: Invitae Variant Classification Sherloc (09022015). Collection method: clinical testing. Allele origin: germline.
Comment: This sequence change replaces aspartic acid, which is acidic and polar, with glutamic acid, which is acidic and polar, at codon 148 of the CTC1 protein (p.Asp148Glu). This variant is present in population databases (rs542910040, gnomAD 0.01%). This variant has not been reported in the literature in individuals affected with CTC1-related conditions. ClinVar contains an entry for this variant (Variation ID: 326086). Invitae Evidence Modeling of protein sequence and biophysical properties (such as structural, functional, and spatial information, amino acid conservation, physicochemical variation, residue mobility, and thermodynamic stability) has been performed for this missense variant. However, the output from this modeling did not meet the statistical confidence thresholds required to predict the impact of this variant on CTC1 protein function. In summary, the available evidence is currently insufficient to determine the role of this variant in disease. Therefore, it has been classified as a Variant of Uncertain Significance.

Ambry Genetics
Classification: Uncertain significance for Inborn genetic diseases. Last evaluated: 2023-11-18. Review status: criteria provided, single submitter. Criteria: Ambry Variant Classification Scheme 2023. Collection method: clinical testing. Allele origin: germline.

Genome-Nilou Lab
Classification: Uncertain significance for Cerebroretinal microangiopathy with calcifications and cysts 1. Last evaluated: 2021-07-15. Review status: criteria provided, single submitter. Criteria: ACMG Guidelines, 2015. Collection method: clinical testing. Allele origin: germline. Affected: no.

Illumina Laboratory Services, Illumina
Classification: Uncertain significance for Dyskeratosis congenita. Last evaluated: 2018-01-12. Review status: criteria provided, single submitter. Criteria: ICSL Variant Classification Criteria 13 December 2019. Collection method: clinical testing. Allele origin: germline.